The following is an entry in ClinVar:

NM_003263.4(TLR1):c.914A>T (p.His305Leu)

Gene: TLR1 (toll like receptor 1; minus strand). Cytogenetic location: 4p14.
Variant type: single nucleotide variant.
Coding change: c.914A>T on transcript NM_003263.4 (MANE Select); coding-DNA position 914, A replaced by T.
Protein change: p.His305Leu; replaces histidine 305 with leucine.
Molecular consequence: missense variant.
Genome position (GRCh38, 1-based): chr4:38,797,918, T>A on the plus strand (A>T on the coding strand, the complement: TLR1 is on the minus strand). VCF-style: chr4-38797918-T-A. GRCh37 (hg19) VCF-style: chr4-38799539-T-A.
Other names: short protein forms H305L.
Identifiers: ClinVar variation 3056910 (VCV003056910.2), dbSNP rs3923647, ClinGen allele CA2889470.
Genomic context (GRCh38, chr4:38,797,918, plus strand): 5'-TTCGAAAAGATTTCATAGATATAACTTTGCGGAAAACCGAACACATCGCTGACAACTTGG[T>A]GTATAGACAAGGCCTTCAAGGAAGTGCCAGAATAATCAAAATCTCTGAAGTCCAGCTGAC-3'
Protein context (NP_003254.2, residues 295-315): SGTSLKALSI[His305Leu]QVVSDVFGFP

ClinVar aggregate classification (germline): Benign (0 of 4 stars; one submission).

Conditions:
TLR1-related disorder. Also called: TLR1-related condition.

Allele frequency attached by ClinVar (database versions not stated): 1000 Genomes Project 0.02915; 1000 Genomes Project 30x 0.03107; ESP Exome Variant Server 0.04575.

Submission:

PreventionGenetics, part of Exact Sciences
Classification: Benign for TLR1-related condition. Last evaluated: 2019-10-31. Review status: no assertion criteria provided. Collection method: clinical testing. Allele origin: germline.
Comment: This variant is classified as benign based on ACMG/AMP sequence variant interpretation guidelines (Richards et al. 2015 PMID: 25741868, with internal and published modifications).